The following is an entry in ClinVar:

ClinVar aggregate classification (germline): Uncertain significance. Review status: criteria provided, multiple submitters, no conflicts (2 of 4 stars). 2 submissions from 2 submitters: Uncertain significance (2). Last evaluated 2025-02-12.

Conditions:
Long QT syndrome (LQTS). Identifiers: MedGen C0023976, MeSH D008133, MONDO:0002442. Disease mechanism: loss of function. Inheritance: Various modes of inheritance.

Allele frequency attached by ClinVar (database versions not stated): TOPMed below 0.00001.

Submissions (2):

Labcorp Genetics (formerly Invitae), Labcorp
Classification: Uncertain significance for Long QT syndrome. Last evaluated: 2025-02-12. Review status: criteria provided, single submitter. Criteria: Invitae Variant Classification Sherloc (09022015). Collection method: clinical testing. Allele origin: germline.
Comment: This sequence change replaces isoleucine, which is neutral and non-polar, with valine, which is neutral and non-polar, at codon 279 of the CACNA1C protein (p.Ile279Val). This variant is not present in population databases (gnomAD no frequency). This variant has not been reported in the literature in individuals affected with CACNA1C-related conditions. ClinVar contains an entry for this variant (Variation ID: 961571). Invitae Evidence Modeling of protein sequence and biophysical properties (such as structural, functional, and spatial information, amino acid conservation, physicochemical variation, residue mobility, and thermodynamic stability) indicates that this missense variant is not expected to disrupt CACNA1C protein function with a negative predictive value of 80%. In summary, the available evidence is currently insufficient to determine the role of this variant in disease. Therefore, it has been classified as a Variant of Uncertain Significance.

GeneDx
Classification: Uncertain significance. Last evaluated: 2024-12-06. Review status: criteria provided, single submitter. Criteria: GeneDx Variant Classification Process June 2021. Collection method: clinical testing. Allele origin: germline. Affected: yes.
Comment: Not observed at significant frequency in large population cohorts (gnomAD); In silico analysis indicates that this missense variant does not alter protein structure/function; Has not been previously published as pathogenic or benign to our knowledge

NM_000719.7(CACNA1C):c.835A>G (p.Ile279Val)

Gene: CACNA1C (calcium voltage-gated channel subunit alpha1 C; plus strand). Cytogenetic location: 12p13.33.
Variant type: single nucleotide variant.
Coding change: c.835A>G on transcript NM_000719.7 (MANE Select); coding-DNA position 835, A replaced by G.
Protein change: p.Ile279Val; replaces isoleucine 279 with valine.
Molecular consequence: missense variant.
Genome position (GRCh38, 1-based): chr12:2,486,181, A>G. VCF-style: chr12-2486181-A-G. GRCh37 (hg19) VCF-style: chr12-2595347-A-G.
Other names: c.835A>G, p.Ile279Val (NM_001129827.2, NM_001129829.2, NM_001129830.3 and 19 more transcripts); short protein forms I279V.
Identifiers: ClinVar variation 961571 (VCV000961571.11), dbSNP rs1447529441, ClinGen allele CA383369413.